The following is an entry in ClinVar:

ClinVar aggregate classification (germline): Conflicting classifications of pathogenicity. Review status: criteria provided, conflicting classifications (1 of 4 stars). 2 submissions from 2 submitters: Uncertain significance (1); Likely benign (1). Last evaluated 2026-01-27.

Conditions:
TSHZ1-related disorder. Also called: TSHZ1-related condition.

gnomAD v4.1: 190 of 1,613,000 alleles (0.012%); highest among the groups gnomAD compares: African/African-American, 0.17%; no homozygotes.

Submissions (2):

Women's Health and Genetics/Laboratory Corporation of America, LabCorp
Classification: Uncertain significance. Last evaluated: 2026-01-27. Review status: criteria provided, single submitter. Criteria: LabCorp Variant Classification Summary - May 2015. Collection method: clinical testing. Allele origin: germline.
Comment: Variant summary: TSHZ1 c.3046G>A (p.Gly1016Ser) results in a non-conservative amino acid change in the encoded protein sequence. Algorithms developed to predict the effect of missense changes on protein structure and function are either unavailable or do not agree on the potential impact of this missense change. The variant allele was found at a frequency of 0.00017 in 249850 control chromosomes. This frequency is not significantly higher than estimated for disease-causing variants in TSHZ1, allowing no conclusion about variant significance. To our knowledge, no occurrence of c.3046G>A in individuals affected with TSHZ1-related conditions and no experimental evidence demonstrating its impact on protein function have been reported. No submitters have cited clinical-significance assessments for this variant to ClinVar. Based on the evidence outlined above, the variant was classified as uncertain significance.

PreventionGenetics, part of Exact Sciences
Classification: Likely benign for TSHZ1-related condition. Last evaluated: 2024-10-11. Review status: criteria provided, single submitter. Criteria: ACMG Guidelines, 2015. Collection method: clinical testing. Allele origin: germline.
Comment: This variant is classified as likely benign based on ACMG/AMP sequence variant interpretation guidelines (Richards et al. 2015 PMID: 25741868, with internal and published modifications).

NM_001308210.2(TSHZ1):c.3181G>A (p.Gly1061Ser)

Gene: TSHZ1 (teashirt zinc finger homeobox 1; plus strand). Cytogenetic location: 18q22.3.
Variant type: single nucleotide variant.
Coding change: c.3181G>A on transcript NM_001308210.2 (MANE Select); coding-DNA position 3181, G replaced by A.
Protein change: p.Gly1061Ser; replaces glycine 1061 with serine.
Molecular consequence: missense variant.
Genome position (GRCh38, 1-based): chr18:75,288,588, G>A. VCF-style: chr18-75288588-G-A. GRCh37 (hg19) VCF-style: chr18-73000543-G-A.
Other names: c.3046G>A, p.Gly1016Ser (NM_005786.6); c.3046G>A (NM_005786.5); short protein forms G1016S, G1061S.
Identifiers: ClinVar variation 4689606 (VCV004689606.2).